The following is an entry in ClinVar:

ClinVar aggregate classification (germline): Uncertain significance (1 of 4 stars; one submission).

Submission:

GeneDx
Classification: Uncertain significance. Last evaluated: 2023-11-29. Review status: criteria provided, single submitter. Criteria: GeneDx Variant Classification Process June 2021. Collection method: clinical testing. Allele origin: germline. Affected: yes.
Comment: Not observed at significant frequency in large population cohorts (gnomAD); In silico analysis supports that this missense variant has a deleterious effect on protein structure/function; Has not been previously published as pathogenic or benign to our knowledge

NM_001003694.2(BRPF1):c.1055T>C (p.Val352Ala)

Gene: BRPF1 (bromodomain and PHD finger containing 1; plus strand). Cytogenetic location: 3p25.3.
Variant type: single nucleotide variant.
Coding change: c.1055T>C on transcript NM_001003694.2 (MANE Select); coding-DNA position 1055, T replaced by C.
Protein change: p.Val352Ala; replaces valine 352 with alanine.
Molecular consequence: missense variant. On other transcripts: non-coding transcript variant (1).
Genome position (GRCh38, 1-based): chr3:9,739,454, T>C. VCF-style: chr3-9739454-T-C. GRCh37 (hg19) VCF-style: chr3-9781138-T-C.
Other names: c.1055T>C, p.Val352Ala (NM_001319049.2, NM_001319050.2, NM_001410704.1 and 1 more transcripts); short protein forms V352A.
Identifiers: ClinVar variation 3364525 (VCV003364525.1).
Genomic context (GRCh38, chr3:9,739,454, plus strand): 5'-TGTGCCCCAACAAGGGCGGTGCCTTCAAGCAGACAGATGACGGGCGCTGGGCCCATGTGG[T>C]GTGTGCCTTGTGGATCCCTGAGGTCTGCTTCGCCAACACGGTCTTCCTAGAGCCTATTGA-3'
Protein context (NP_001003694.1, residues 342-362): QTDDGRWAHV[Val352Ala]CALWIPEVCF